The following is an entry in ClinVar:

ClinVar aggregate classification (germline): Uncertain significance (1 of 4 stars; one submission).

Conditions:
Spermatogenic failure 18. Identifiers: MedGen C4539783, MONDO:0054615, OMIM 617576.
Ciliary dyskinesia, primary, 37 (CILD37). Also called: CILIARY DYSKINESIA, PRIMARY, 37, WITH OR WITHOUT SITUS INVERSUS. Identifiers: MedGen C4539798, MONDO:0033204, OMIM 617577.

Allele frequency attached by ClinVar (database versions not stated): TOPMed below 0.00001; ExAC 0.00001; gnomAD exomes 0.00001.
gnomAD v4.1: 18 of 1,614,068 alleles (0.0011%); highest among the groups gnomAD compares: Non-Finnish European, 0.0015%; no homozygotes.

Submission:

Labcorp Genetics (formerly Invitae), Labcorp
Classification: Uncertain significance for Ciliary dyskinesia, primary, 37; Spermatogenic failure 18. Last evaluated: 2022-05-22. Review status: criteria provided, single submitter. Criteria: Invitae Variant Classification Sherloc (09022015). Collection method: clinical testing. Allele origin: germline.
Comment: In summary, the available evidence is currently insufficient to determine the role of this variant in disease. Therefore, it has been classified as a Variant of Uncertain Significance. Algorithms developed to predict the effect of missense changes on protein structure and function are either unavailable or do not agree on the potential impact of this missense change (SIFT: "Deleterious"; PolyPhen-2: "Possibly Damaging"; Align-GVGD: "Class C0"). This variant has not been reported in the literature in individuals affected with DNAH1-related conditions. This variant is present in population databases (rs775695523, gnomAD 0.002%). This sequence change replaces glutamine, which is neutral and polar, with arginine, which is basic and polar, at codon 608 of the DNAH1 protein (p.Gln608Arg).

NM_015512.5(DNAH1):c.1823A>G (p.Gln608Arg)

Gene: DNAH1 (dynein axonemal heavy chain 1; plus strand). Cytogenetic location: 3p21.1.
Variant type: single nucleotide variant.
Coding change: c.1823A>G on transcript NM_015512.5 (MANE Select); coding-DNA position 1823, A replaced by G.
Protein change: p.Gln608Arg; replaces glutamine 608 with arginine.
Molecular consequence: missense variant.
Genome position (GRCh38, 1-based): chr3:52,346,638, A>G. VCF-style: chr3-52346638-A-G. GRCh37 (hg19) VCF-style: chr3-52380654-A-G.
Other names: short protein forms Q608R.
Identifiers: ClinVar variation 2421963 (VCV002421963.7), dbSNP rs775695523, ClinGen allele CA2433056.